The following is an entry in ClinVar:

ClinVar aggregate classification (germline): Likely benign. Review status: criteria provided, multiple submitters, no conflicts (2 of 4 stars). 2 submissions from 2 submitters: Likely benign (2). Last evaluated 2026-06-15.

Conditions:
Polyps, multiple and recurrent inflammatory fibroid, gastrointestinal. Identifiers: MedGen C5193005, MONDO:0008285, OMIM 175510.
Gastrointestinal stromal tumor. Also called: Gastrointestinal stromal tumor, somatic; Gastrointestinal stroma tumor. Identifiers: Orphanet 44890, MedGen C0238198, MeSH D046152, MONDO:0011719, OMIM 606764, HP:0100723.

Allele frequency attached by ClinVar (database versions not stated): gnomAD 0.00001; TOPMed 0.00001.
gnomAD v4.1: 2 of 1,605,718 alleles (0.00012%); highest among the groups gnomAD compares: Non-Finnish European, 0.00017%; no homozygotes.

Submissions (2):

Myriad Genetics, Inc.
Classification: Likely benign for Polyps, multiple and recurrent inflammatory fibroid, gastrointestinal. Last evaluated: 2026-06-15. Review status: criteria provided, single submitter. Criteria: Myriad Autosomal Dominant, Autosomal Recessive and X-Linked Classification Criteria (2023). Collection method: clinical testing. Allele origin: unknown.
Comment: This variant is considered likely benign. This variant is intronic and is not expected to impact mRNA splicing.

Labcorp Genetics (formerly Invitae), Labcorp
Classification: Likely benign for Gastrointestinal stromal tumor. Last evaluated: 2024-10-27. Review status: criteria provided, single submitter. Criteria: Invitae Variant Classification Sherloc (09022015). Collection method: clinical testing. Allele origin: germline.

NM_006206.6(PDGFRA):c.1559-10T>C

Gene: PDGFRA (platelet derived growth factor receptor alpha; plus strand). Cytogenetic location: 4q12.
Variant type: single nucleotide variant.
Coding change: c.1559-10T>C on transcript NM_006206.6 (MANE Select); 10 bases into the intron before coding-DNA position 1559, T replaced by C.
Molecular consequence: intron variant.
Genome position (GRCh38, 1-based): chr4:54,274,521, T>C. VCF-style: chr4-54274521-T-C. GRCh37 (hg19) VCF-style: chr4-55140688-T-C.
Other names: c.1634-10T>C (NM_001347828.2); c.1559-10T>C (NM_001347827.2, NM_001347829.2); c.1598-10T>C (NM_001347830.2).
Identifiers: ClinVar variation 705999 (VCV000705999.12), dbSNP rs1015210113, ClinGen allele CA96859419.